The following is an entry in ClinVar:

NM_000046.5(ARSB):c.161A>C (p.Asp54Ala)

Genes: ARSB (arylsulfatase B; minus strand), LOC129994126 (ATAC-STARR-seq lymphoblastoid silent region 16127; plus strand). Cytogenetic location: 5q14.1.
Variant type: single nucleotide variant.
Coding change: c.161A>C on transcript NM_000046.5 (MANE Select); coding-DNA position 161, A replaced by C.
Protein change: p.Asp54Ala; replaces aspartic acid 54 with alanine.
Molecular consequence: missense variant.
Genome position (GRCh38, 1-based): chr5:78,985,088, T>G on the plus strand (A>C on the coding strand, the complement: ARSB is on the minus strand). VCF-style: chr5-78985088-T-G. GRCh37 (hg19) VCF-style: chr5-78280911-T-G.
Other names: c.161A>C, p.Asp54Ala (NM_198709.3); short protein forms D54A.
Identifiers: ClinVar variation 1471409 (VCV001471409.6), dbSNP rs1378501017, ClinGen allele CA360196920.

ClinVar aggregate classification (germline): Likely pathogenic (1 of 4 stars; one submission).

Conditions:
Mucopolysaccharidosis type 6 (MPS6). Also called: MPS VI; ARSB DEFICIENCY; ARYLSULFATASE B DEFICIENCY; MPS 6; Maroteaux Lamy syndrome; N-ACETYLGALACTOSAMINE-4-SULFATASE DEFICIENCY. Identifiers: Orphanet 583, MedGen C0026709, MONDO:0009661, OMIM 253200.

Submission:

Labcorp Genetics (formerly Invitae), Labcorp
Classification: Likely pathogenic for Mucopolysaccharidosis type 6. Last evaluated: 2024-01-14. Review status: criteria provided, single submitter. Criteria: Invitae Variant Classification Sherloc (09022015). Collection method: clinical testing. Allele origin: germline.
Comment: This sequence change replaces aspartic acid, which is acidic and polar, with alanine, which is neutral and non-polar, at codon 54 of the ARSB protein (p.Asp54Ala). This variant is not present in population databases (gnomAD no frequency). This variant has not been reported in the literature in individuals affected with ARSB-related conditions. ClinVar contains an entry for this variant (Variation ID: 1471409). Advanced modeling of protein sequence and biophysical properties (such as structural, functional, and spatial information, amino acid conservation, physicochemical variation, residue mobility, and thermodynamic stability) performed at Invitae indicates that this missense variant is expected to disrupt ARSB protein function with a positive predictive value of 95%. This variant disrupts the p.Asp54 amino acid residue in ARSB. Other variant(s) that disrupt this residue have been determined to be pathogenic (PMID: 17458871, 24243352, 26609033, 27826022). This suggests that this residue is clinically significant, and that variants that disrupt this residue are likely to be disease-causing. In summary, the currently available evidence indicates that the variant is pathogenic, but additional data are needed to prove that conclusively. Therefore, this variant has been classified as Likely Pathogenic.

Literature cited by the submitters: PubMed 17458871; PubMed 24243352; PubMed 26609033; PubMed 27826022.